The following is an entry in ClinVar:

ClinVar aggregate classification (germline): Likely pathogenic (1 of 4 stars; one submission).

Conditions:
Ehlers-Danlos syndrome, kyphoscoliotic type 1 (EDSKSCL1). Also called: Ehlers-Danlos syndrome, hydroxylysine-deficient; EHLERS-DANLOS SYNDROME, OCULAR-SCOLIOTIC TYPE; EHLERS-DANLOS SYNDROME, TYPE VIA; PLOD1-Related Kyphoscoliotic Ehlers-Danlos Syndrome. Identifiers: Orphanet 1900, MedGen C0268342, MONDO:0016002, OMIM 225400. Disease mechanism: loss of function.

Allele frequency attached by ClinVar (database versions not stated): gnomAD 0.00001.

Submission:

Labcorp Genetics (formerly Invitae), Labcorp
Classification: Likely pathogenic for Ehlers-Danlos syndrome, kyphoscoliotic type 1. Last evaluated: 2024-12-23. Review status: criteria provided, single submitter. Criteria: Invitae Variant Classification Sherloc (09022015). Collection method: clinical testing. Allele origin: germline.
Comment: This sequence change affects a donor splice site in intron 11 of the PLOD1 gene. It is expected to disrupt RNA splicing. Variants that disrupt the donor or acceptor splice site typically lead to a loss of protein function (PMID: 16199547), and loss-of-function variants in PLOD1 are known to be pathogenic (PMID: 10874315, 21699693). The frequency data for this variant in the population databases is considered unreliable, as metrics indicate poor data quality at this position in the gnomAD database. This variant has not been reported in the literature in individuals affected with PLOD1-related conditions. ClinVar contains an entry for this variant (Variation ID: 2696275). Algorithms developed to predict the effect of sequence changes on RNA splicing suggest that this variant may disrupt the consensus splice site. In summary, the currently available evidence indicates that the variant is pathogenic, but additional data are needed to prove that conclusively. Therefore, this variant has been classified as Likely Pathogenic.

Literature cited by the submitters: PubMed 16199547; PubMed 10874315; PubMed 21699693.

NM_000302.4(PLOD1):c.1202+1G>A

Gene: PLOD1 (procollagen-lysine,2-oxoglutarate 5-dioxygenase 1; plus strand). Cytogenetic location: 1p36.22.
Variant type: single nucleotide variant.
Coding change: c.1202+1G>A on transcript NM_000302.4 (MANE Select); the canonical splice donor site of the intron after coding-DNA position 1202, G replaced by A.
Molecular consequence: splice donor variant.
Genome position (GRCh38, 1-based): chr1:11,963,637, G>A. VCF-style: chr1-11963637-G-A. GRCh37 (hg19) VCF-style: chr1-12023694-G-A.
Other names: c.1343+1G>A (NM_001316320.2).
Identifiers: ClinVar variation 2696275 (VCV002696275.3), dbSNP rs1301268055, ClinGen allele CA338440544.